The following is an entry in ClinVar:

NM_020638.3(FGF23):c.662G>A (p.Ser221Asn)

Gene: FGF23 (fibroblast growth factor 23; minus strand). Cytogenetic location: 12p13.32.
Variant type: single nucleotide variant.
Coding change: c.662G>A on transcript NM_020638.3 (MANE Select); coding-DNA position 662, G replaced by A.
Protein change: p.Ser221Asn; replaces serine 221 with asparagine.
Molecular consequence: missense variant.
Genome position (GRCh38, 1-based): chr12:4,370,437, C>T on the plus strand (G>A on the coding strand, the complement: FGF23 is on the minus strand). VCF-style: chr12-4370437-C-T. GRCh37 (hg19) VCF-style: chr12-4479603-C-T.
Other names: short protein forms S221N.
Identifiers: ClinVar variation 1485263 (VCV001485263.9), dbSNP rs1865048977, ClinGen allele CA383415847.

ClinVar aggregate classification (germline): Uncertain significance. Review status: criteria provided, multiple submitters, no conflicts (2 of 4 stars). 2 submissions from 2 submitters: Uncertain significance (2). Last evaluated 2025-09-05.

Allele frequency attached by ClinVar (database versions not stated): TOPMed below 0.00001.

Submissions (2):

Labcorp Genetics (formerly Invitae), Labcorp
Classification: Uncertain significance. Last evaluated: 2025-09-05. Review status: criteria provided, single submitter. Criteria: Invitae Variant Classification Sherloc (09022015). Collection method: clinical testing. Allele origin: germline.
Comment: This sequence change replaces serine, which is neutral and polar, with asparagine, which is neutral and polar, at codon 221 of the FGF23 protein (p.Ser221Asn). This variant is not present in population databases (gnomAD no frequency). This variant has not been reported in the literature in individuals affected with FGF23-related conditions. ClinVar contains an entry for this variant (Variation ID: 1485263). An algorithm developed to predict the effect of missense changes on protein structure and function outputs the following: PolyPhen-2: "Benign". The asparagine amino acid residue is found in multiple mammalian species, which suggests that this missense change does not adversely affect protein function. In summary, the available evidence is currently insufficient to determine the role of this variant in disease. Therefore, it has been classified as a Variant of Uncertain Significance.

Revvity Omics, Revvity
Classification: Uncertain significance. Last evaluated: 2023-09-26. Review status: criteria provided, single submitter. Criteria: ACMG Guidelines, 2015. Collection method: clinical testing. Allele origin: germline.